The following is an entry in ClinVar:

ClinVar aggregate classification (germline): Uncertain significance (1 of 4 stars; one submission).

Conditions:
Congenital contractural arachnodactyly (CCA). Also called: BEALS SYNDROME; Arthrogryposis, distal, type 9; Beals-Hecht syndrome. Identifiers: Orphanet 115, MedGen C0220668, MONDO:0007363, OMIM 121050.

Submission:

Labcorp Genetics (formerly Invitae), Labcorp
Classification: Uncertain significance for Congenital contractural arachnodactyly. Last evaluated: 2025-04-23. Review status: criteria provided, single submitter. Criteria: Invitae Variant Classification Sherloc (09022015). Collection method: clinical testing. Allele origin: germline.
Comment: This sequence change replaces methionine, which is neutral and non-polar, with leucine, which is neutral and non-polar, at codon 1380 of the FBN2 protein (p.Met1380Leu). This variant is not present in population databases (gnomAD no frequency). This missense change has been observed in individual(s) with FBN2-related conditions (internal data). Invitae Evidence Modeling of protein sequence and biophysical properties (such as structural, functional, and spatial information, amino acid conservation, physicochemical variation, residue mobility, and thermodynamic stability) indicates that this missense variant is not expected to disrupt FBN2 protein function with a negative predictive value of 80%. In summary, the available evidence is currently insufficient to determine the role of this variant in disease. Therefore, it has been classified as a Variant of Uncertain Significance.

NM_001999.4(FBN2):c.4138A>C (p.Met1380Leu)

Gene: FBN2 (fibrillin 2; minus strand). Cytogenetic location: 5q23.3.
Variant type: single nucleotide variant.
Coding change: c.4138A>C on transcript NM_001999.4 (MANE Select); coding-DNA position 4138, A replaced by C.
Protein change: p.Met1380Leu; replaces methionine 1380 with leucine.
Molecular consequence: missense variant.
Genome position (GRCh38, 1-based): chr5:128,332,996, T>G on the plus strand (A>C on the coding strand, the complement: FBN2 is on the minus strand). VCF-style: chr5-128332996-T-G. GRCh37 (hg19) VCF-style: chr5-127668688-T-G.
Other names: short protein forms M1380L.
Identifiers: ClinVar variation 4752751 (VCV004752751.1).